The following is an entry in ClinVar:

ClinVar aggregate classification (germline): Uncertain significance. Review status: criteria provided, multiple submitters, no conflicts (2 of 4 stars). 4 submissions from 4 submitters: Uncertain significance (4). Last evaluated 2025-06-18.

Conditions:
Autosomal dominant hypocalcemia 1 (HYPOC1). Also called: HYPOCALCEMIA, FAMILIAL. Identifiers: MedGen C3715128, MONDO:0011013, OMIM 601198.
Familial hypocalciuric hypercalcemia (FHH). Also called: Familial benign hypercalcemia. Identifiers: Orphanet 405, MedGen C1809471, MONDO:0018458.
Nephrolithiasis/nephrocalcinosis. Identifiers: MedGen CN580796.
Epilepsy, idiopathic generalized, susceptibility to, 8. Identifiers: MedGen C2752062, MONDO:0013032, OMIM 612899.
Familial hypocalciuric hypercalcemia 1. Also called: Hypercalcemia, familial benign type 1. Identifiers: Orphanet 405, Orphanet 93372, MedGen C0342637, MONDO:0007791, OMIM 145980.
Neonatal severe primary hyperparathyroidism. Identifiers: Orphanet 417, MedGen C1832615, MONDO:0009397, OMIM 239200.

Allele frequency attached by ClinVar (database versions not stated): TOPMed below 0.00001; gnomAD 0.00001.
gnomAD v4.1: 4 of 1,614,040 alleles (0.00025%); highest among the groups gnomAD compares: Non-Finnish European, 0.00034%; no homozygotes.

Submissions (4):

Labcorp Genetics (formerly Invitae), Labcorp
Classification: Uncertain significance for Familial hypocalciuric hypercalcemia; Autosomal dominant hypocalcemia 1. Last evaluated: 2025-06-18. Review status: criteria provided, single submitter. Criteria: Invitae Variant Classification Sherloc (09022015). Collection method: clinical testing. Allele origin: germline.
Comment: This sequence change replaces alanine, which is neutral and non-polar, with threonine, which is neutral and polar, at codon 880 of the CASR protein (p.Ala880Thr). This variant is not present in population databases (gnomAD no frequency). This variant has not been reported in the literature in individuals affected with CASR-related conditions. ClinVar contains an entry for this variant (Variation ID: 1065129). An algorithm developed to predict the effect of missense changes on protein structure and function (PolyPhen-2) suggests that this variant is likely to be disruptive. In summary, the available evidence is currently insufficient to determine the role of this variant in disease. Therefore, it has been classified as a Variant of Uncertain Significance.

Fulgent Genetics
Classification: Uncertain significance for Familial hypocalciuric hypercalcemia 1; Neonatal severe primary hyperparathyroidism; Autosomal dominant hypocalcemia 1; Epilepsy, idiopathic generalized, susceptibility to, 8. Last evaluated: 2024-06-04. Review status: criteria provided, single submitter. Criteria: ACMG Guidelines, 2015. Collection method: clinical testing. Allele origin: germline.

Ambry Genetics
Classification: Uncertain significance for Nephrolithiasis/nephrocalcinosis. Last evaluated: 2021-07-26. Review status: criteria provided, single submitter. Criteria: Ambry Variant Classification Scheme 2023. Collection method: clinical testing. Allele origin: germline.
Comment: The p.A880T variant (also known as c.2638G>A), located in coding exon 6 of the CASR gene, results from a G to A substitution at nucleotide position 2638. The alanine at codon 880 is replaced by threonine, an amino acid with similar properties. This amino acid position is conserved. In addition, the in silico prediction for this alteration is inconclusive. Since supporting evidence is limited at this time, the clinical significance of this alteration remains unclear.

Women's Health and Genetics/Laboratory Corporation of America, LabCorp
Classification: Uncertain significance. Last evaluated: 2021-04-06. Review status: criteria provided, single submitter. Criteria: LabCorp Variant Classification Summary - May 2015. Collection method: clinical testing. Allele origin: germline.
Comment: Variant summary: CASR c.2638G>A (p.Ala880Thr) results in a non-conservative amino acid change in the encoded protein sequence. Five of five in-silico tools predict a damaging effect of the variant on protein function. The variant was absent in 251114 control chromosomes. The available data on variant occurrences in the general population are insufficient to allow any conclusion about variant significance. To our knowledge, no occurrence of c.2638G>A in individuals affected with Familial Hypocalciuric Hypercalcemia and no experimental evidence demonstrating its impact on protein function have been reported. No clinical diagnostic laboratories have submitted clinical-significance assessments for this variant to ClinVar after 2014. Based on the evidence outlined above, the variant was classified as uncertain significance.

NM_000388.4(CASR):c.2638G>A (p.Ala880Thr)

Gene: CASR (calcium sensing receptor; plus strand). Cytogenetic location: 3q21.1.
Variant type: single nucleotide variant.
Coding change: c.2638G>A on transcript NM_000388.4 (MANE Select); coding-DNA position 2638, G replaced by A.
Protein change: p.Ala880Thr; replaces alanine 880 with threonine.
Molecular consequence: missense variant.
Genome position (GRCh38, 1-based): chr3:122,284,592, G>A. VCF-style: chr3-122284592-G-A. GRCh37 (hg19) VCF-style: chr3-122003439-G-A.
Other names: c.2668G>A, p.Ala890Thr (NM_001178065.2); short protein forms A880T, A890T.
Identifiers: ClinVar variation 1065129 (VCV001065129.7), dbSNP rs763865303, ClinGen allele CA82749105.